The following is an entry in ClinVar:

NM_182972.3(IRF2BP2):c.1155G>T (p.Glu385Asp)

Gene: IRF2BP2 (interferon regulatory factor 2 binding protein 2; minus strand). Cytogenetic location: 1q42.3.
Variant type: single nucleotide variant.
Coding change: c.1155G>T on transcript NM_182972.3 (MANE Select); coding-DNA position 1155, G replaced by T.
Protein change: p.Glu385Asp; replaces glutamic acid 385 with aspartic acid.
Molecular consequence: missense variant.
Genome position (GRCh38, 1-based): chr1:234,607,746, C>A on the plus strand (G>T on the coding strand, the complement: IRF2BP2 is on the minus strand). VCF-style: chr1-234607746-C-A. GRCh37 (hg19) VCF-style: chr1-234743492-C-A.
Other names: c.1107G>T, p.Glu369Asp (NM_001077397.1); short protein forms E385D, E369D.
Identifiers: ClinVar variation 2913721 (VCV002913721.3), dbSNP rs14739, ClinGen allele CA1461631.

ClinVar aggregate classification (germline): Uncertain significance (1 of 4 stars; one submission).

gnomAD v4.1: 18 of 1,613,906 alleles (0.0011%); highest among the groups gnomAD compares: Non-Finnish European, 0.0014%; no homozygotes.

Submission:

Labcorp Genetics (formerly Invitae), Labcorp
Classification: Uncertain significance. Last evaluated: 2023-08-27. Review status: criteria provided, single submitter. Criteria: Invitae Variant Classification Sherloc (09022015). Collection method: clinical testing. Allele origin: germline.
Comment: This variant is present in population databases (rs14739, gnomAD 0.006%). This sequence change replaces glutamic acid, which is acidic and polar, with aspartic acid, which is acidic and polar, at codon 385 of the IRF2BP2 protein (p.Glu385Asp). In summary, the available evidence is currently insufficient to determine the role of this variant in disease. Therefore, it has been classified as a Variant of Uncertain Significance. An algorithm developed to predict the effect of missense changes on protein structure and function (PolyPhen-2) suggests that this variant is likely to be disruptive. This variant has not been reported in the literature in individuals affected with IRF2BP2-related conditions.